The following is an entry in ClinVar:

ClinVar aggregate classification (germline): Uncertain significance (1 of 4 stars; one submission).

Conditions:
Dilated cardiomyopathy 1JJ (CMD1JJ). Identifiers: Orphanet 154, MedGen C3808935, MONDO:0014095, OMIM 615235.

Allele frequency attached by ClinVar (database versions not stated): TOPMed below 0.00001; gnomAD 0.00001.

Submission:

Labcorp Genetics (formerly Invitae), Labcorp
Classification: Uncertain significance for Dilated cardiomyopathy 1JJ. Last evaluated: 2018-06-25. Review status: criteria provided, single submitter. Criteria: Invitae Variant Classification Sherloc (09022015). Collection method: clinical testing. Allele origin: germline.
Comment: Algorithms developed to predict the effect of missense changes on protein structure and function are either unavailable or do not agree on the potential impact of this missense change (SIFT: "Tolerated"; PolyPhen-2: "Probably Damaging"; Align-GVGD: "Class C0"). In summary, the available evidence is currently insufficient to determine the role of this variant in disease. Therefore, it has been classified as a Variant of Uncertain Significance. This variant has not been reported in the literature in individuals with LAMA4-related disease. This variant is not present in population databases (ExAC no frequency). This sequence change replaces asparagine with serine at codon 1703 of the LAMA4 protein (p.Asn1703Ser). The asparagine residue is highly conserved and there is a small physicochemical difference between asparagine and serine.

NM_001105206.3(LAMA4):c.5129A>G (p.Asn1710Ser)

Gene: LAMA4 (laminin subunit alpha 4; minus strand). Cytogenetic location: 6q21.
Variant type: single nucleotide variant.
Coding change: c.5129A>G on transcript NM_001105206.3 (MANE Select); coding-DNA position 5129, A replaced by G.
Protein change: p.Asn1710Ser; replaces asparagine 1710 with serine.
Molecular consequence: missense variant.
Genome position (GRCh38, 1-based): chr6:112,114,740, T>C on the plus strand (A>G on the coding strand, the complement: LAMA4 is on the minus strand). VCF-style: chr6-112114740-T-C. GRCh37 (hg19) VCF-style: chr6-112435943-T-C.
Other names: c.5108A>G, p.Asn1703Ser (NM_001105207.3, NM_002290.5); short protein forms N1703S, N1710S.
Identifiers: ClinVar variation 581348 (VCV000581348.8), dbSNP rs1219557048, ClinGen allele CA365364992.